The following is an entry in ClinVar:

ClinVar aggregate classification (germline): Conflicting classifications of pathogenicity. Review status: criteria provided, conflicting classifications (1 of 4 stars). 2 submissions from 2 submitters: Uncertain significance (1); Likely benign (1). Last evaluated 2025-12-18.

Conditions:
Inborn genetic diseases. Identifiers: MedGen C0950123, MeSH D030342.
Holocarboxylase synthetase deficiency. Also called: MULTIPLE CARBOXYLASE DEFICIENCY, EARLY ONSET. Identifiers: Orphanet 79242, MedGen C0268581, MONDO:0009666, OMIM 253270.

Allele frequency attached by ClinVar (database versions not stated): TOPMed 0.00003; gnomAD exomes 0.00004 and 0.00005; ExAC 0.00007; gnomAD 0.00007.
gnomAD v4.1: 85 of 1,613,982 alleles (0.0053%); highest among the groups gnomAD compares: Non-Finnish European, 0.0062%; no homozygotes.

Submissions (2):

Labcorp Genetics (formerly Invitae), Labcorp
Classification: Likely benign for Holocarboxylase synthetase deficiency. Last evaluated: 2025-12-18. Review status: criteria provided, single submitter. Criteria: Invitae Variant Classification Sherloc (09022015). Collection method: clinical testing. Allele origin: germline.

Ambry Genetics
Classification: Uncertain significance for Inborn genetic diseases. Last evaluated: 2020-10-30. Review status: criteria provided, single submitter. Criteria: Ambry Variant Classification Scheme 2023. Collection method: clinical testing. Allele origin: germline.
Comment: The c.1228G>A (p.E410K) alteration is located in exon 7 (coding exon 4) of the HLCS gene. This alteration results from a G to A substitution at nucleotide position 1228, causing the glutamic acid (E) at amino acid position 410 to be replaced by a lysine (K). Based on data from the Genome Aggregation Database (gnomAD) database, the HLCS c.1228G>A alteration was observed in 0.006% (18/282606) of total alleles studied, with a frequency of 0.01% (3/25116) in the European (Finnish) subpopulation. This amino acid position is not well conserved in available vertebrate species. The p.E410K alteration is predicted to be tolerated by in silico analysis. Based on insufficient or conflicting evidence, the clinical significance of this alteration remains unclear.

NM_001352514.2(HLCS):c.1669G>A (p.Glu557Lys)

Gene: HLCS (holocarboxylase synthetase; minus strand). Cytogenetic location: 21q22.13.
Variant type: single nucleotide variant.
Coding change: c.1669G>A on transcript NM_001352514.2 (MANE Select); coding-DNA position 1669, G replaced by A.
Protein change: p.Glu557Lys; replaces glutamic acid 557 with lysine.
Molecular consequence: missense variant. On other transcripts: non-coding transcript variant (2).
Genome position (GRCh38, 1-based): chr21:36,897,083, C>T on the plus strand (G>A on the coding strand, the complement: HLCS is on the minus strand). VCF-style: chr21-36897083-C-T. GRCh37 (hg19) VCF-style: chr21-38269383-C-T.
Other names: c.1228G>A (NM_000411.6); c.1228G>A, p.Glu410Lys (NM_000411.8, NM_001242784.3, NM_001242785.2 and 4 more transcripts); short protein forms E410K, E557K.
Identifiers: ClinVar variation 1090726 (VCV001090726.10), dbSNP rs745652723, ClinGen allele CA10020490.